The following is an entry in ClinVar:

ClinVar aggregate classification (germline): Conflicting classifications of pathogenicity. Review status: criteria provided, conflicting classifications (1 of 4 stars). 5 submissions from 5 submitters: Uncertain significance (2); Benign (1); Likely benign (2). Last evaluated 2026-02-02.

Conditions:
Inborn genetic diseases. Identifiers: MedGen C0950123, MeSH D030342.
Pitt-Hopkins-like syndrome 2 (PTHSL2). Identifiers: Orphanet 221150, Orphanet 600663, MedGen C3280479, MONDO:0013690, OMIM 614325.

Allele frequency attached by ClinVar (database versions not stated): TOPMed 0.00002; ExAC 0.00003; gnomAD exomes 0.00004.
gnomAD v4.1: 48 of 1,613,762 alleles (0.003%); highest among the groups gnomAD compares: Middle Eastern, 0.033%; 1 homozygote.

Submissions (5):

Labcorp Genetics (formerly Invitae), Labcorp
Classification: Likely benign for Pitt-Hopkins-like syndrome 2. Last evaluated: 2026-02-02. Review status: criteria provided, single submitter. Criteria: Invitae Variant Classification Sherloc (09022015). Collection method: clinical testing. Allele origin: germline.

Illumina Laboratory Services, Illumina
Classification: Uncertain significance for Pitt-Hopkins-like syndrome 2. Last evaluated: 2018-01-12. Review status: criteria provided, single submitter. Criteria: ICSL Variant Classification Criteria 13 December 2019. Collection method: clinical testing. Allele origin: germline.

Ambry Genetics
Classification: Likely benign for Inborn genetic diseases. Last evaluated: 2017-07-28. Review status: criteria provided, single submitter. Criteria: Ambry Variant Classification Scheme 2023. Collection method: clinical testing. Allele origin: germline.

Genetic Services Laboratory, University of Chicago
Classification: Uncertain significance. Last evaluated: 2015-07-17. Review status: criteria provided, single submitter. Criteria: ACMG Guidelines, 2015. Collection method: clinical testing. Allele origin: germline.

GeneDx
Classification: Benign. Last evaluated: 2014-04-18. Review status: criteria provided, single submitter. Criteria: GeneDx Variant Classification (06012015). Collection method: clinical testing. Allele origin: germline. Affected: yes.
Comment: This variant is considered likely benign or benign based on one or more of the following criteria: it is a conservative change, it occurs at a poorly conserved position in the protein, it is predicted to be benign by multiple in silico algorithms, and/or has population frequency not consistent with disease.

NM_001330078.2(NRXN1):c.4236C>T (p.Gly1412=)

Gene: NRXN1 (neurexin 1; minus strand). Cytogenetic location: 2p16.3.
Variant type: single nucleotide variant.
Coding change: c.4236C>T on transcript NM_001330078.2 (MANE Select); coding-DNA position 4236, C replaced by T.
Protein change: p.Gly1412=; no amino-acid change (glycine 1412 retained).
Molecular consequence: synonymous variant.
Genome position (GRCh38, 1-based): chr2:49,922,232, G>A on the plus strand (C>T on the coding strand, the complement: NRXN1 is on the minus strand). VCF-style: chr2-49922232-G-A. GRCh37 (hg19) VCF-style: chr2-50149370-G-A.
Other names: p.G1452G:GGC>GGT; c.4356C>T, p.Gly1452= (NM_001135659.3); c.141C>T, p.Gly47= (NM_001320156.4); c.132C>T, p.Gly44= (NM_001320157.4); c.4212C>T, p.Gly1404= (NM_001330077.2); c.4203C>T, p.Gly1401= (NM_001330082.2); c.4071C>T, p.Gly1357= (NM_001330083.2); c.4170C>T, p.Gly1390= (NM_001330084.2); and 13 more.
Identifiers: ClinVar variation 138544 (VCV000138544.20), dbSNP rs587781101, ClinGen allele CA292589.